The following is an entry in ClinVar:

NM_000081.4(LYST):c.7756G>C (p.Val2586Leu)

Gene: LYST (lysosomal trafficking regulator; minus strand). Cytogenetic location: 1q42.3.
Variant type: single nucleotide variant.
Coding change: c.7756G>C on transcript NM_000081.4 (MANE Select); coding-DNA position 7756, G replaced by C.
Protein change: p.Val2586Leu; replaces valine 2586 with leucine.
Molecular consequence: missense variant.
Genome position (GRCh38, 1-based): chr1:235,751,234, C>G on the plus strand (G>C on the coding strand, the complement: LYST is on the minus strand). VCF-style: chr1-235751234-C-G. GRCh37 (hg19) VCF-style: chr1-235914534-C-G.
Other names: c.7756G>C, p.Val2586Leu (NM_001301365.1); short protein forms V2586L.
Identifiers: ClinVar variation 2202435 (VCV002202435.2), dbSNP rs1666463399, ClinGen allele CA344929338.

ClinVar aggregate classification (germline): Uncertain significance (1 of 4 stars; one submission).

Conditions:
Chédiak-Higashi syndrome (CHS). Also called: Chediak-Higashi Syndrome. Identifiers: Orphanet 167, MedGen C0007965, MONDO:0008963, OMIM 214500.

Allele frequency attached by ClinVar (database versions not stated): gnomAD exomes below 0.00001; TOPMed below 0.00001; gnomAD 0.00001.
gnomAD v4.1: 3 of 1,613,706 alleles (0.00019%); highest among the groups gnomAD compares: South Asian, 0.0033%; no homozygotes.

Submission:

Labcorp Genetics (formerly Invitae), Labcorp
Classification: Uncertain significance for Chédiak-Higashi syndrome. Last evaluated: 2022-08-03. Review status: criteria provided, single submitter. Criteria: Invitae Variant Classification Sherloc (09022015). Collection method: clinical testing. Allele origin: germline.
Comment: In summary, the available evidence is currently insufficient to determine the role of this variant in disease. Therefore, it has been classified as a Variant of Uncertain Significance. Algorithms developed to predict the effect of missense changes on protein structure and function output the following: SIFT: "Tolerated"; PolyPhen-2: "Benign"; Align-GVGD: "Class C0". The leucine amino acid residue is found in multiple mammalian species, which suggests that this missense change does not adversely affect protein function. This variant has not been reported in the literature in individuals affected with LYST-related conditions. This variant is not present in population databases (gnomAD no frequency). This sequence change replaces valine, which is neutral and non-polar, with leucine, which is neutral and non-polar, at codon 2586 of the LYST protein (p.Val2586Leu).